The following is an entry in ClinVar:

ClinVar aggregate classification (germline): Likely pathogenic (1 of 4 stars; one submission).

Conditions:
Polycystic liver disease 2 (PCLD2). Also called: Polycystic liver disease 2 with or without kidney cysts. Identifiers: Orphanet 2924, MedGen C4310769, MONDO:0014860, OMIM 617004.

Submission:

Juno Genomics, Hangzhou Juno Genomics, Inc
Classification: Likely pathogenic for Polycystic liver disease 2. Review status: criteria provided, single submitter. Criteria: ACMG Guidelines, 2015. Collection method: clinical testing. Allele origin: germline.
Comment: Null variant in a gene where loss of function (LOF) is a known mechanism of disease.;Absent from controls (or at extremely low frequency if recessive) in Genome Aggregation Database.

NM_007214.5(SEC63):c.961+1G>T

Gene: SEC63 (SEC63 protein translocation regulator; minus strand). Cytogenetic location: 6q21.
Variant type: single nucleotide variant.
Coding change: c.961+1G>T on transcript NM_007214.5 (MANE Select); the canonical splice donor site of the intron after coding-DNA position 961, G replaced by T.
Molecular consequence: splice donor variant.
Genome position (GRCh38, 1-based): chr6:107,906,447, C>A on the plus strand (G>T on the coding strand, the complement: SEC63 is on the minus strand). VCF-style: chr6-107906447-C-A. GRCh37 (hg19) VCF-style: chr6-108227651-C-A.
Identifiers: ClinVar variation 5006951 (VCV005006951.2).
Genomic context (GRCh38, chr6:107,906,447, plus strand): 5'-TCTAATTAATTCTGCTGCTTTCATCCCACTAAACCTCTGTAGATACCGGAATCACAAATA[C>A]CTTCTTCAAGGGTCTCAGGAATTTTCATTCTAGCAAGATGAGACAGTAAAAGAACTCTGG-3'